The following is an entry in ClinVar:

NM_025114.4(CEP290):c.343A>G (p.Asn115Asp)

Gene: CEP290 (centrosomal protein 290; minus strand). Cytogenetic location: 12q21.32.
Variant type: single nucleotide variant.
Coding change: c.343A>G on transcript NM_025114.4 (MANE Select); coding-DNA position 343, A replaced by G.
Protein change: p.Asn115Asp; replaces asparagine 115 with aspartic acid.
Molecular consequence: missense variant.
Genome position (GRCh38, 1-based): chr12:88,136,741, T>C on the plus strand (A>G on the coding strand, the complement: CEP290 is on the minus strand). VCF-style: chr12-88136741-T-C. GRCh37 (hg19) VCF-style: chr12-88530518-T-C.
Other names: short protein forms N115D.
Identifiers: ClinVar variation 198264 (VCV000198264.32), dbSNP rs140236736, ClinGen allele CA246815.
Genomic context (GRCh38, chr12:88,136,741, plus strand): 5'-CCATGTCCTCCAATTCTCTATCTTTTTGTTCTAATTGTTTTTCAAGTTGGCAAATTTCAT[T>C]ACGTAAAAACCGAGTATCTCGTCCACCTGCAGACTGCTGAGCCATCTTAAAGTAATAAAC-3'
Protein context (NP_079390.3, residues 105-125): AGGRDTRFLR[Asn115Asp]EICQLEKQLE

ClinVar aggregate classification (germline): Conflicting classifications of pathogenicity. Review status: criteria provided, conflicting classifications (1 of 4 stars). 13 submissions from 9 submitters: Uncertain significance (6); Benign (2); Likely benign (4). 1 of the submissions does not count toward it. Last evaluated 2026-01-20.

Conditions:
Meckel syndrome, type 4 (MKS4). Also called: MECKEL-GRUBER SYNDROME, TYPE 4. Identifiers: Orphanet 564, MedGen C1970161, MONDO:0012626, OMIM 611134.
Senior-Loken syndrome 6 (SLSN6). Identifiers: Orphanet 3156, MedGen C1857779, MONDO:0012433, OMIM 610189.
Joubert syndrome 5 (JBTS5). Identifiers: Orphanet 2318, MedGen C1857780, MONDO:0012432, OMIM 610188.
Leber congenital amaurosis 10 (LCA10). Identifiers: Orphanet 65, MedGen C1857821, MONDO:0012723, OMIM 611755.
Joubert syndrome. Also called: Familial aplasia of the vermis; JOUBERT-BOLTSHAUSER SYNDROME. Identifiers: Orphanet 475, MedGen C5979921, MONDO:0018772.
Nephronophthisis. Also called: Juvenile Nephronophthisis. Identifiers: Orphanet 655, MedGen C0687120, MONDO:0019005, HP:0000090.
Meckel-Gruber syndrome. Also called: DYSENCEPHALIA SPLANCHNOCYSTICA; Dysencephalia splachnocystica; GRUBER SYNDROME. Identifiers: Orphanet 564, MedGen C0265215, MONDO:0018921.
CEP290-related disorder. Also called: CEP290-related condition; CEP290-related disorders. Identifiers: MedGen CN239314.
Retinal dystrophy. Also called: Inherited retinal dystrophy. Identifiers: Orphanet 71862, MedGen C0854723, MeSH D058499, MONDO:0019118, HP:0000556.
Bardet-Biedl syndrome 14 (BBS14). Identifiers: Orphanet 110, MedGen C2673874, MONDO:0014442, OMIM 615991.

Allele frequency attached by ClinVar (database versions not stated): gnomAD 0.00007 and 0.00016; TOPMed 0.00010; gnomAD exomes 0.00027 and 0.00031; ExAC 0.00031; 1000 Genomes Project 30x 0.00062; 1000 Genomes Project 0.00080.
gnomAD v4.1: 469 of 1,613,782 alleles (0.029%); highest among the groups gnomAD compares: East Asian, 0.95%; 3 homozygotes.

Submissions (13):

Labcorp Genetics (formerly Invitae), Labcorp
Classification: Benign for Joubert syndrome; Meckel-Gruber syndrome; Nephronophthisis. Last evaluated: 2026-01-20. Review status: criteria provided, single submitter. Criteria: Invitae Variant Classification Sherloc (09022015). Collection method: clinical testing. Allele origin: germline.

CeGaT Center for Human Genetics Tuebingen
Classification: Likely benign. Last evaluated: 2025-12-01. Review status: criteria provided, single submitter. Criteria: CeGaT Center For Human Genetics Tuebingen Variant Classification Criteria Version 2. Collection method: clinical testing. Allele origin: germline. Affected: yes. Observed: 1 variant allele.
Comment: CEP290: BP4

Blueprint Genetics
Classification: Likely benign. Last evaluated: 2024-06-20. Review status: criteria provided, single submitter. Criteria: ACMG Guidelines, 2015. Collection method: clinical testing. Allele origin: germline.

Women's Health and Genetics/Laboratory Corporation of America, LabCorp
Classification: Likely benign. Last evaluated: 2023-12-29. Review status: criteria provided, single submitter. Criteria: LabCorp Variant Classification Summary - May 2015. Collection method: clinical testing. Allele origin: germline.
Comment: Variant summary: CEP290 c.343A>G (p.Asn115Asp) results in a conservative amino acid change in the encoded protein sequence. Five of five in-silico tools predict a benign effect of the variant on protein function. The variant allele was found at a frequency of 0.00027 in 248984 control chromosomes, predominantly at a frequency of 0.0032 within the East Asian subpopulation in the gnomAD database. The observed variant frequency within East Asian control individuals in the gnomAD database is approximately 3 fold of the estimated maximal expected allele frequency for a pathogenic variant in CEP290 causing Meckel Syndrome Type 4 phenotype (0.0011), strongly suggesting that the variant is a benign polymorphism found primarily in populations of East Asian origin. To our knowledge, no occurrence of c.343A>G in individuals affected with Meckel Syndrome Type 4 and no experimental evidence demonstrating its impact on protein function have been reported. Four submitters have cited clinical-significance assessments for this variant to ClinVar after 2014. Multiple submitters reported the variant with conflicting assessments (benign/likely benign n=2 and VUS n=2). Based on the evidence outlined above, the variant was classified as likely benign.

Dept Of Ophthalmology, Nagoya University
Classification: Benign for Retinal dystrophy. Last evaluated: 2023-10-01. Review status: criteria provided, single submitter. Criteria: Submitter's publication. Collection method: research. Allele origin: germline. Affected: yes.

New York Genome Center
Classification: Uncertain significance for Leber congenital amaurosis 10; Senior-Loken syndrome 6; Meckel syndrome, type 4; Joubert syndrome 5. Last evaluated: 2022-03-25. Review status: criteria provided, single submitter. Criteria: NYGC Assertion Criteria 2020. Collection method: clinical testing. Allele origin: germline. Observed: 1 heterozygote.

Illumina Laboratory Services, Illumina
Classification: Uncertain significance for Bardet-Biedl syndrome 14. Last evaluated: 2018-01-13. Review status: criteria provided, single submitter. Criteria: ICSL Variant Classification Criteria 13 December 2019. Collection method: clinical testing. Allele origin: germline.

Illumina Laboratory Services, Illumina
Classification: Uncertain significance for Joubert syndrome 5. Last evaluated: 2018-01-13. Review status: criteria provided, single submitter. Criteria: ICSL Variant Classification Criteria 13 December 2019. Collection method: clinical testing. Allele origin: germline.

Illumina Laboratory Services, Illumina
Classification: Uncertain significance for Leber congenital amaurosis 10. Last evaluated: 2018-01-13. Review status: criteria provided, single submitter. Criteria: ICSL Variant Classification Criteria 13 December 2019. Collection method: clinical testing. Allele origin: germline.

Illumina Laboratory Services, Illumina
Classification: Uncertain significance for Meckel syndrome, type 4. Last evaluated: 2018-01-13. Review status: criteria provided, single submitter. Criteria: ICSL Variant Classification Criteria 13 December 2019. Collection method: clinical testing. Allele origin: germline.

Illumina Laboratory Services, Illumina
Classification: Likely benign for Senior-Loken syndrome 6. Last evaluated: 2018-01-13. Review status: criteria provided, single submitter. Criteria: ICSL Variant Classification Criteria 13 December 2019. Collection method: clinical testing. Allele origin: germline.
Comment: This variant was observed in the ICSL laboratory as part of a predisposition screen in an ostensibly healthy population. It had not been previously curated by ICSL or reported in the Human Gene Mutation Database (HGMD: prior to June 1st, 2018), and was therefore a candidate for classification through an automated scoring system. Utilizing variant allele frequency, disease prevalence and penetrance estimates, and inheritance mode, an automated score was calculated to assess if this variant is too frequent to cause the disease. Based on the score and internal cut-off values, a variant classified as likely benign is not then subjected to further curation. The score for this variant resulted in a classification of likely benign for this disease.

Eurofins Ntd Llc (ga)
Classification: Uncertain significance. Last evaluated: 2015-02-06. Review status: criteria provided, single submitter. Criteria: EGL Classification Definitions 2015. Collection method: clinical testing. Allele origin: germline. Observed: 2 variant alleles, 2 heterozygotes.

PreventionGenetics, part of Exact Sciences
Classification: Likely benign for CEP290-related condition. Last evaluated: 2023-08-11. Review status: no assertion criteria provided. Collection method: clinical testing. Allele origin: germline. Not counted in ClinVar's aggregate classification.
Comment: This variant is classified as likely benign based on ACMG/AMP sequence variant interpretation guidelines (Richards et al. 2015 PMID: 25741868, with internal and published modifications).